The following is an entry in ClinVar:

ClinVar aggregate classification (germline): Uncertain significance (1 of 4 stars; one submission).

Conditions:
Dextro-looped transposition of the great arteries. Also called: Dextrotransposition of the great arteries. Identifiers: Orphanet 860, MedGen C3531771, MONDO:0019443, OMIM 608808, HP:0031348.

Submission:

Labcorp Genetics (formerly Invitae), Labcorp
Classification: Uncertain significance for Dextro-looped transposition of the great arteries. Last evaluated: 2024-04-24. Review status: criteria provided, single submitter. Criteria: Invitae Variant Classification Sherloc (09022015). Collection method: clinical testing. Allele origin: germline.
Comment: This sequence change replaces proline, which is neutral and non-polar, with serine, which is neutral and polar, at codon 50 of the MED13L protein (p.Pro50Ser). This variant is not present in population databases (gnomAD no frequency). This variant has not been reported in the literature in individuals affected with MED13L-related conditions. Advanced modeling of protein sequence and biophysical properties (such as structural, functional, and spatial information, amino acid conservation, physicochemical variation, residue mobility, and thermodynamic stability) has been performed at Invitae for this missense variant, however the output from this modeling did not meet the statistical confidence thresholds required to predict the impact of this variant on MED13L protein function. In summary, the available evidence is currently insufficient to determine the role of this variant in disease. Therefore, it has been classified as a Variant of Uncertain Significance.

NM_015335.5(MED13L):c.148C>T (p.Pro50Ser)

Gene: MED13L (mediator complex subunit 13L; minus strand). Cytogenetic location: 12q24.21.
Variant type: single nucleotide variant.
Coding change: c.148C>T on transcript NM_015335.5 (MANE Select); coding-DNA position 148, C replaced by T.
Protein change: p.Pro50Ser; replaces proline 50 with serine.
Molecular consequence: missense variant.
Genome position (GRCh38, 1-based): chr12:116,237,630, G>A on the plus strand (C>T on the coding strand, the complement: MED13L is on the minus strand). VCF-style: chr12-116237630-G-A. GRCh37 (hg19) VCF-style: chr12-116675435-G-A.
Other names: short protein forms P50S.
Identifiers: ClinVar variation 3684809 (VCV003684809.2).
Genomic context (GRCh38, chr12:116,237,630, plus strand): 5'-AAAGCAGGTTAGCTTGCAGACAGCGGATGAAACTTAACAGAATTGGATCATCTTGGGCTG[G>A]GGCTGAAATTATGGGTCCACAGTCCCCATGCCCTCCAAAATTGTACCTACGCCATTTGAT-3'
Protein context (NP_056150.1, residues 40-60): HGDCGPIISA[Pro50Ser]AQDDPILLSF